The following is an entry in ClinVar:

NM_172107.4(KCNQ2):c.545T>C (p.Val182Ala)

Gene: KCNQ2 (potassium voltage-gated channel subfamily Q member 2; minus strand). Cytogenetic location: 20q13.33.
Variant type: single nucleotide variant.
Coding change: c.545T>C on transcript NM_172107.4 (MANE Select); coding-DNA position 545, T replaced by C.
Protein change: p.Val182Ala; replaces valine 182 with alanine.
Molecular consequence: missense variant.
Genome position (GRCh38, 1-based): chr20:63,444,804, A>G on the plus strand (T>C on the coding strand, the complement: KCNQ2 is on the minus strand). VCF-style: chr20-63444804-A-G. GRCh37 (hg19) VCF-style: chr20-62076157-A-G.
Other names: c.545T>C, p.Val182Ala (NM_001382235.1, NM_004518.6, NM_172106.3 and 2 more transcripts); short protein forms V182A.
Identifiers: ClinVar variation 2114825 (VCV002114825.7), dbSNP rs2516504736, ClinGen allele CA409654910.

ClinVar aggregate classification (germline): Conflicting classifications of pathogenicity. Review status: criteria provided, conflicting classifications (1 of 4 stars). 2 submissions from 2 submitters: Pathogenic (1); Uncertain significance (1). Last evaluated 2022-07-01.

Conditions:
Early-infantile DEE. Also called: Early infantile epileptic encephalopathy; Ohtahara syndrome; Early infantile epileptic encephalopathy with suppression bursts. Identifiers: Orphanet 1934, MedGen C0393706, MONDO:0800491.
Neonatal encephalopathy. Identifiers: MedGen C0235820.

Submissions (2):

The International Centre for Genetic Engineering and Biotechnology China Regional Research Centre
Classification: Uncertain significance for Neonatal encephalopathy. Last evaluated: 2022-07-01. Review status: criteria provided, single submitter. Criteria: ACMG Guidelines, 2015. Collection method: clinical testing. Allele origin: de novo. Affected: yes. Observed: 1 variant allele.

Labcorp Genetics (formerly Invitae), Labcorp
Classification: Pathogenic for Early-infantile DEE. Last evaluated: 2022-04-15. Review status: criteria provided, single submitter. Criteria: Invitae Variant Classification Sherloc (09022015). Collection method: clinical testing. Allele origin: germline.
Comment: This sequence change replaces valine, which is neutral and non-polar, with alanine, which is neutral and non-polar, at codon 182 of the KCNQ2 protein (p.Val182Ala). This variant is not present in population databases (gnomAD no frequency). This missense change has been observed in individual(s) with clinical features of KCNQ2-related conditions (Invitae). In at least one individual the variant was observed to be de novo. Advanced modeling of protein sequence and biophysical properties (such as structural, functional, and spatial information, amino acid conservation, physicochemical variation, residue mobility, and thermodynamic stability) performed at Invitae indicates that this missense variant is expected to disrupt KCNQ2 protein function. For these reasons, this variant has been classified as Pathogenic.